The following is an entry in ClinVar:

ClinVar aggregate classification (germline): Uncertain significance (1 of 4 stars; one submission).

Conditions:
Hereditary cancer-predisposing syndrome. Also called: Neoplastic Syndromes, Hereditary; Tumor predisposition; Hereditary Cancer Syndrome; Hereditary neoplastic syndrome. Identifiers: Orphanet 140162, MedGen C0027672, MeSH D009386, MONDO:0015356.

gnomAD v4.1: 4 of 1,613,916 alleles (0.00025%); highest among the groups gnomAD compares: Non-Finnish European, 0.00034%; no homozygotes.

Submission:

Ambry Genetics
Classification: Uncertain significance for Hereditary cancer-predisposing syndrome. Last evaluated: 2024-05-16. Review status: criteria provided, single submitter. Criteria: Ambry Variant Classification Scheme 2023. Collection method: clinical testing. Allele origin: germline.
Comment: The p.K2331Q variant (also known as c.6991A>C), located in coding exon 47 of the ATM gene, results from an A to C substitution at nucleotide position 6991. The lysine at codon 2331 is replaced by glutamine, an amino acid with similar properties. This amino acid position is conserved. In addition, this alteration is predicted to be tolerated by in silico analysis. Based on the available evidence, the clinical significance of this variant remains unclear.

NM_000051.4(ATM):c.6991A>C (p.Lys2331Gln)

Genes: ATM (ATM serine/threonine kinase; plus strand), C11orf65 (chromosome 11 open reading frame 65; minus strand). Cytogenetic location: 11q22.3.
Variant type: single nucleotide variant.
Coding change: c.6991A>C on transcript NM_000051.4 (MANE Select); coding-DNA position 6991, A replaced by C.
Protein change: p.Lys2331Gln; replaces lysine 2331 with glutamine.
Molecular consequence: missense variant. On other transcripts: intron variant (2).
Genome position (GRCh38, 1-based): chr11:108,327,660, A>C. VCF-style: chr11-108327660-A-C. GRCh37 (hg19) VCF-style: chr11-108198387-A-C.
Other names: c.6991A>C, p.Lys2331Gln (NM_001351834.2); c.641-18589T>G (NM_001330368.2); c.*38+7560T>G (NM_001351110.2); short protein forms K2331Q.
Identifiers: ClinVar variation 3326192 (VCV003326192.1).